The following is an entry in ClinVar:

ClinVar aggregate classification (germline): Uncertain significance (1 of 4 stars; one submission).

Conditions:
Immunodeficiency 31B. Also called: STAT1 DEFICIENCY, AUTOSOMAL RECESSIVE; IMMUNODEFICIENCY 31B, MYCOBACTERIAL AND VIRAL INFECTIONS, AUTOSOMAL RECESSIVE. Identifiers: Orphanet 391311, MedGen C3151088, MONDO:0013427, OMIM 613796.
Autoimmune enteropathy and endocrinopathy - susceptibility to chronic infections syndrome. Also called: Immunodeficiency 31C; Immunodeficiency 31C, autosomal dominant. Identifiers: Orphanet 391487, MedGen C3279990, MONDO:0013599, OMIM 614162.
Mendelian susceptibility to mycobacterial diseases due to partial STAT1 deficiency. Also called: IMMUNODEFICIENCY 31A, MYCOBACTERIOSIS, AUTOSOMAL DOMINANT; STAT1 DEFICIENCY, AUTOSOMAL DOMINANT; Immunodeficiency 31a. Identifiers: Orphanet 319595, MedGen C4013950, MONDO:0013956, OMIM 614892.

Submission:

Labcorp Genetics (formerly Invitae), Labcorp
Classification: Uncertain significance for Mendelian susceptibility to mycobacterial diseases due to partial STAT1 deficiency; Immunodeficiency 31B; Autoimmune enteropathy and endocrinopathy - susceptibility to chronic infections syndrome. Last evaluated: 2022-09-02. Review status: criteria provided, single submitter. Criteria: Invitae Variant Classification Sherloc (09022015). Collection method: clinical testing. Allele origin: germline.
Comment: ClinVar contains an entry for this variant (Variation ID: 1371157). In summary, the available evidence is currently insufficient to determine the role of this variant in disease. Therefore, it has been classified as a Variant of Uncertain Significance. Algorithms developed to predict the effect of missense changes on protein structure and function (SIFT, PolyPhen-2, Align-GVGD) all suggest that this variant is likely to be tolerated. This variant has not been reported in the literature in individuals affected with STAT1-related conditions. This variant is not present in population databases (gnomAD no frequency). This sequence change replaces asparagine, which is neutral and polar, with serine, which is neutral and polar, at codon 670 of the STAT1 protein (p.Asn670Ser).

NM_007315.4(STAT1):c.2009A>G (p.Asn670Ser)

Gene: STAT1 (signal transducer and activator of transcription 1; minus strand). Cytogenetic location: 2q32.2.
Variant type: single nucleotide variant.
Coding change: c.2009A>G on transcript NM_007315.4 (MANE Select); coding-DNA position 2009, A replaced by G.
Protein change: p.Asn670Ser; replaces asparagine 670 with serine.
Molecular consequence: missense variant. On other transcripts: intron variant (1).
Genome position (GRCh38, 1-based): chr2:190,976,890, T>C on the plus strand (A>G on the coding strand, the complement: STAT1 is on the minus strand). VCF-style: chr2-190976890-T-C. GRCh37 (hg19) VCF-style: chr2-191841616-T-C.
Other names: c.1949A>G, p.Asn650Ser (NM_001384880.1); c.2015A>G, p.Asn672Ser (NM_001384881.1); c.2003A>G, p.Asn668Ser (NM_001384882.1); c.1910A>G, p.Asn637Ser (NM_001384883.1); c.1850A>G, p.Asn617Ser (NM_001384885.1); c.2009A>G, p.Asn670Ser (NM_001384886.1, NM_001384889.1, NM_139266.3); c.1916A>G, p.Asn639Ser (NM_001384887.1); c.1979A>G, p.Asn660Ser (NM_001384888.1); and 3 more; short protein forms N617S, N650S, N682S, N639S, N660S, N668S, N670S, N637S.
Identifiers: ClinVar variation 1371157 (VCV001371157.8), dbSNP rs2125000268, ClinGen allele CA349912110.